The following is an entry in ClinVar:

NM_001061.7(TBXAS1):c.451-727C>T

Gene: TBXAS1 (thromboxane A synthase 1; plus strand). Cytogenetic location: 7q34.
Variant type: single nucleotide variant.
Coding change: c.451-727C>T on transcript NM_001061.7 (MANE Select); 727 bases into the intron before coding-DNA position 451, C replaced by T.
Molecular consequence: intron variant. On other transcripts: missense variant (1).
Genome position (GRCh38, 1-based): chr7:139,952,641, C>T. VCF-style: chr7-139952641-C-T. GRCh37 (hg19) VCF-style: chr7-139652440-C-T.
Other names: p.Pro181Ser; c.541C>T, p.Pro181Ser (NM_001166253.4); c.451-727C>T (NM_001130966.5, NM_030984.6); c.250-727C>T (NM_001166254.4); c.394-727C>T (NM_001314028.4); c.268-727C>T (NM_001366537.3); short protein forms P181S, P182S.
Identifiers: ClinVar variation 4683316 (VCV004683316.1).

ClinVar aggregate classification (germline): Benign (1 of 4 stars; one submission).

gnomAD v4.1: 27,947 of 1,537,168 alleles (1.8%); highest among the groups gnomAD compares: Middle Eastern, 3.7%; 324 homozygotes.

Submission:

Mayo Clinic Laboratories, Mayo Clinic
Classification: Benign. Last evaluated: 2023-09-27. Review status: criteria provided, single submitter. Criteria: ACMG Guidelines, 2015. Collection method: clinical testing. Allele origin: germline. Observed: 34 variant alleles.
Comment: BS1, BS2, BP4, BP7